The following is an entry in ClinVar:

ClinVar aggregate classification (germline): Uncertain significance. Review status: criteria provided, multiple submitters, no conflicts (2 of 4 stars). 2 submissions from 2 submitters: Uncertain significance (2). Last evaluated 2022-03-23.

Conditions:
Inborn genetic diseases. Identifiers: MedGen C0950123, MeSH D030342.
Hereditary sensory and autonomic neuropathy type 6. Also called: HSAN VI; Neuropathy, hereditary sensory and autonomic, type VI. Identifiers: Orphanet 314381, MedGen C3539003, MONDO:0013839, OMIM 614653.
Epidermolysis bullosa simplex 3, localized or generalized intermediate, with BP230 deficiency (EBS3). Also called: Epidermolysis bullosa simplex due to BP230 deficiency; Epidermolysis bullosa simplex, autosomal recessive 2. Identifiers: Orphanet 412181, MedGen C3809470, MONDO:0014180, OMIM 615425.

Allele frequency attached by ClinVar (database versions not stated): TOPMed 0.00001; gnomAD 0.00003; ExAC 0.00007.
gnomAD v4.1: 66 of 1,613,836 alleles (0.0041%); highest among the groups gnomAD compares: African/African-American, 0.0067%; no homozygotes.

Submissions (2):

Labcorp Genetics (formerly Invitae), Labcorp
Classification: Uncertain significance for Epidermolysis bullosa simplex 3, localized or generalized intermediate, with BP230 deficiency; Hereditary sensory and autonomic neuropathy type 6. Last evaluated: 2022-03-23. Review status: criteria provided, single submitter. Criteria: Invitae Variant Classification Sherloc (09022015). Collection method: clinical testing. Allele origin: germline.
Comment: The DST gene has multiple clinically relevant transcripts. This variant occurs in alternate transcript NM_015548.4, and corresponds to NM_001723.5:c.*155338A>G in the primary transcript. This sequence change replaces serine, which is neutral and polar, with glycine, which is neutral and non-polar, at codon 5069 of the DST protein (p.Ser5069Gly). In summary, the available evidence is currently insufficient to determine the role of this variant in disease. Therefore, it has been classified as a Variant of Uncertain Significance. Experimental studies and prediction algorithms are not available or were not evaluated, and the functional significance of this variant is currently unknown. This variant has not been reported in the literature in individuals affected with DST-related conditions. This variant is present in population databases (rs764063449, gnomAD 0.008%).

Ambry Genetics
Classification: Uncertain significance for Inborn genetic diseases. Last evaluated: 2021-06-10. Review status: criteria provided, single submitter. Criteria: Ambry Variant Classification Scheme 2023. Collection method: clinical testing. Allele origin: germline.
Comment: The p.S5573G variant (also known as c.16717A>G), located in coding exon 96 of the DST gene, results from an A to G substitution at nucleotide position 16717. The serine at codon 5573 is replaced by glycine, an amino acid with similar properties. This amino acid position is not well conserved in available vertebrate species, and glycine is the reference amino acid in other vertebrate species. In addition, this alteration is predicted to be tolerated by in silico analysis. Since supporting evidence is limited at this time, the clinical significance of this alteration remains unclear.

NM_001374736.1(DST):c.23146A>G (p.Ser7716Gly)

Gene: DST (dystonin; minus strand). Cytogenetic location: 6p12.1.
Variant type: single nucleotide variant.
Coding change: c.23146A>G on transcript NM_001374736.1 (MANE Select); coding-DNA position 23146, A replaced by G.
Protein change: p.Ser7716Gly; replaces serine 7716 with glycine.
Molecular consequence: missense variant.
Genome position (GRCh38, 1-based): chr6:56,460,179, T>C on the plus strand (A>G on the coding strand, the complement: DST is on the minus strand). VCF-style: chr6-56460179-T-C. GRCh37 (hg19) VCF-style: chr6-56324977-T-C.
Other names: c.16303A>G, p.Ser5435Gly (NM_001144770.2); c.23074A>G, p.Ser7692Gly (NM_001374722.1); c.23101A>G, p.Ser7701Gly (NM_001374734.1); c.16165A>G, p.Ser5389Gly (NM_001386100.1); c.15205A>G, p.Ser5069Gly (NM_015548.5); c.16183A>G, p.Ser5395Gly (NM_183380.4); c.22075A>G, p.Ser7359Gly (NM_001374729.1); c.15817A>G, p.Ser5273Gly (NM_001374730.1); and 1 more; short protein forms S5435G, S7701G, S5273G, S7359G, S7692G, S7716G, S5395G, S5573G.
Identifiers: ClinVar variation 1777688 (VCV001777688.5), dbSNP rs764063449, ClinGen allele CA3866024.